The following is an entry in ClinVar:

ClinVar aggregate classification (germline): Pathogenic. Review status: reviewed by expert panel (3 of 4 stars). 7 submissions from 7 submitters: Pathogenic (1). 6 of the submissions do not count toward it. Last evaluated 2025-12-16.

Conditions:
ABCA4-related retinopathy. Also called: ABCA4-related retinoapthy; ABCA4 retinoapthy. Identifiers: MedGen CN322612, MONDO:0800406.
ABCA4-related disorder. Also called: ABCA4-related condition; ABCA4-related disorders. Identifiers: MedGen CN239167.
Retinal dystrophy. Also called: Inherited retinal dystrophy. Identifiers: Orphanet 71862, MedGen C0854723, MeSH D058499, MONDO:0019118, HP:0000556.
Severe early-childhood-onset retinal dystrophy (STGD1). Also called: MACULAR DYSTROPHY WITH FLECKS, TYPE 1; STGD; Stargardt disease 1; Stargardt macular dystrophy; Juvenile onset macular degeneration. Identifiers: Orphanet 364055, Orphanet 827, MedGen C1855465, MeSH D000080362, MONDO:0009549, OMIM 248200.

Submissions (7):

ClinGen ABCA4 Variant Curation Expert Panel, Clingen
Classification: Pathogenic for ABCA4-related retinopathy. Last evaluated: 2025-12-16. Review status: reviewed by expert panel. Criteria: ClinGen ABCA4 ACMG Specifications V1.0.0. Collection method: curation. Allele origin: germline. Inheritance: Autosomal recessive inheritance.
Comment: NM_000350.3(ABCA4):c.6329G>A (p.Trp2110Ter) variant in ABCA4 is a nonsense variant predicted to cause a premature stop codon in biologically relevant exon 46 of 50 leading to nonsense mediated decay in a gene in which loss-of-function is an established disease mechanism (PVS1, PMID: 23769331). This variant is absent from gnomAD v4.1.0 (PM2_Supporting). The prevalence of the variant in affected individuals is significantly increased compared with the prevalence in controls. The OR is infinity and the CI = 17.18 to infinity, which is above the ABCA4 VCEP threshold of ≥5, where the CI does not contain 1 (PS4; PMID: 35120629). In summary, this variant meets the criteria to be classified as pathogenic for ABCA4-related retinopathy based on the ACMG/AMP criteria applied, as specified by the ClinGen ABCA4 VCEP (Specification Version 1.0), as specified by the ClinGen ABCA4 Variant Curation Expert Panel: PVS1, PS4, PM2_Supporting.

Labcorp Genetics (formerly Invitae), Labcorp
Classification: Pathogenic. Last evaluated: 2024-12-02. Review status: criteria provided, single submitter. Criteria: Invitae Variant Classification Sherloc (09022015). Collection method: clinical testing. Allele origin: germline. Not counted in ClinVar's aggregate classification.
Comment: This sequence change creates a premature translational stop signal (p.Trp2110*) in the ABCA4 gene. It is expected to result in an absent or disrupted protein product. Loss-of-function variants in ABCA4 are known to be pathogenic (PMID: 10958761, 24938718, 25312043, 26780318). This variant is not present in population databases (gnomAD no frequency). This premature translational stop signal has been observed in individual(s) with ABCA4-related conditions (PMID: 10958761, 23755871). ClinVar contains an entry for this variant (Variation ID: 99450). Algorithms developed to predict the effect of sequence changes on RNA splicing suggest that this variant may disrupt the consensus splice site. For these reasons, this variant has been classified as Pathogenic.

Blueprint Genetics
Classification: Pathogenic for ABCA4-related disorders. Last evaluated: 2019-09-12. Review status: criteria provided, single submitter. Criteria: ACMG Guidelines, 2015. Collection method: clinical testing. Allele origin: germline. Affected: yes. Observed: 1 variant allele. Not counted in ClinVar's aggregate classification.

Mendelics
Classification: Pathogenic for Severe early-childhood-onset retinal dystrophy. Last evaluated: 2019-05-28. Review status: criteria provided, single submitter. Criteria: Mendelics Assertion Criteria 2017. Collection method: clinical testing. Allele origin: unknown. Not counted in ClinVar's aggregate classification.

Institute of Human Genetics, Univ. Regensburg, Univ. Regensburg
Classification: Pathogenic for Retinal dystrophy. Last evaluated: 2009-01-01. Review status: criteria provided, single submitter. Criteria: ACMG Guidelines, 2015. Collection method: clinical testing. Allele origin: germline. Affected: yes. Not counted in ClinVar's aggregate classification.

NIHR Bioresource Rare Diseases, University of Cambridge
Classification: Pathogenic. Last evaluated: 2015-01-01. Review status: no assertion criteria provided. Collection method: research. Allele origin: unknown. Affected: yes. Observed: 1 variant allele. Not counted in ClinVar's aggregate classification.

Retina International
No classification provided. Review status: no classification provided. Collection method: not provided. Allele origin: not provided. Not counted in ClinVar's aggregate classification.

Literature cited by the submitters: PubMed 10958761 (cited by 3 submitters); PubMed 24938718 (cited by Labcorp Genetics (formerly Invitae), Labcorp); PubMed 25312043 (cited by Labcorp Genetics (formerly Invitae), Labcorp); PubMed 26780318 (cited by Labcorp Genetics (formerly Invitae), Labcorp); PubMed 23755871 (cited by Labcorp Genetics (formerly Invitae), Labcorp and Institute of Human Genetics, Univ. Regensburg, Univ. Regensburg); PubMed 25525159 (cited by Institute of Human Genetics, Univ. Regensburg, Univ. Regensburg); PubMed 32619608 (cited by Institute of Human Genetics, Univ. Regensburg, Univ. Regensburg); PubMed 32581362 (cited by Institute of Human Genetics, Univ. Regensburg, Univ. Regensburg); PubMed 35119454 (cited by Institute of Human Genetics, Univ. Regensburg, Univ. Regensburg); PubMed 36460718 (cited by Institute of Human Genetics, Univ. Regensburg, Univ. Regensburg); PubMed 28041643 (cited by NIHR Bioresource Rare Diseases, University of Cambridge).

NM_000350.3(ABCA4):c.6329G>A (p.Trp2110Ter)

Gene: ABCA4 (ATP binding cassette subfamily A member 4; minus strand). Cytogenetic location: 1p22.1.
Variant type: single nucleotide variant.
Coding change: c.6329G>A on transcript NM_000350.3 (MANE Select); coding-DNA position 6329, G replaced by A.
Protein change: p.Trp2110Ter; replaces tryptophan 2110 with a stop codon.
Molecular consequence: nonsense.
Genome position (GRCh38, 1-based): chr1:94,001,059, C>T on the plus strand (G>A on the coding strand, the complement: ABCA4 is on the minus strand). VCF-style: chr1-94001059-C-T. GRCh37 (hg19) VCF-style: chr1-94466615-C-T.
Other names: NM_000350.3(ABCA4):c.6329G>A; p.Trp2110Ter; c.6107G>A, p.Trp2036Ter (NM_001425324.1); short protein forms W2110*, W2036*.
Identifiers: ClinVar variation 99450 (VCV000099450.11), dbSNP rs62642565, ClinGen allele CA227392.